The following is an entry in ClinVar:

NC_000004.12:g.(?_185523352)_(185535568_?)del

Gene: PDLIM3 (PDZ and LIM domain 3; minus strand). Cytogenetic location: 4q35.1.
Variant type: Deletion.
Identifiers: ClinVar variation 651251 (VCV000651251.1).

ClinVar aggregate classification (germline): Uncertain significance (1 of 4 stars; one submission).

Conditions:
Primary dilated cardiomyopathy (DCM). Also called: Dilated Cardiomyopathy. Identifiers: Orphanet 217604, MedGen C0007193, MeSH D002311, MONDO:0005021, HP:0001644. Inheritance: Various modes of inheritance.
Hypertrophic cardiomyopathy. Also called: HYPERTROPHIC MYOCARDIOPATHY. Identifiers: Orphanet 217569, MedGen C0007194, MeSH D002312, MONDO:0005045, HP:0001639.

Submission:

Labcorp Genetics (formerly Invitae), Labcorp
Classification: Uncertain significance for Hypertrophic cardiomyopathy; Primary dilated cardiomyopathy. Last evaluated: 2018-12-27. Review status: criteria provided, single submitter. Criteria: Invitae Variant Classification Sherloc (09022015). Collection method: clinical testing. Allele origin: germline.
Comment: A gross deletion of the genomic region encompassing the full coding sequence of the PDLIM3 gene has been identified. The boundaries of this event are unknown as the deletion extends beyond the assayed region for this gene and therefore may encompass additional genes. This variant has been observed in an individual who suffered sudden unexplained death (PMID:Â¬â€ 29511324). The current clinical and genetic evidence is not sufficient to establish whether loss-of-function variants in PDLIM3 cause disease. In summary, the available evidence is currently insufficient to determine the role of this variant in disease. Therefore, it has been classified as a Variant of Uncertain Significance.